The following is an entry in ClinVar:

NM_000352.6(ABCC8):c.3193A>T (p.Met1065Leu)

Gene: ABCC8 (ATP binding cassette subfamily C member 8; minus strand). Cytogenetic location: 11p15.1.
Variant type: single nucleotide variant.
Coding change: c.3193A>T on transcript NM_000352.6 (MANE Select); coding-DNA position 3193, A replaced by T.
Protein change: p.Met1065Leu; replaces methionine 1065 with leucine.
Molecular consequence: missense variant. On other transcripts: non-coding transcript variant (1).
Genome position (GRCh38, 1-based): chr11:17,406,758, T>A on the plus strand (A>T on the coding strand, the complement: ABCC8 is on the minus strand). VCF-style: chr11-17406758-T-A. GRCh37 (hg19) VCF-style: chr11-17428305-T-A.
Other names: c.3196A>T, p.Met1066Leu (NM_001287174.3); c.3259A>T, p.Met1087Leu (NM_001351295.2); c.3193A>T, p.Met1065Leu (NM_001351296.2); c.3190A>T, p.Met1064Leu (NM_001351297.2); short protein forms M1065L, M1087L, M1066L, M1064L.
Identifiers: ClinVar variation 2063867 (VCV002063867.1), dbSNP rs1954547506, ClinGen allele CA379802899.
Genomic context (GRCh38, chr11:17,406,758, plus strand): 5'-CAGTGACAGACGTGACGAGGCACAGCACAATGCCCAGGCTGCAGAGCACCGTGAACACCA[T>A]GGCATAGACAGTCTGGTCGAGGGTGCACTCCTTCACAGGCAGAGAGTGATTTGGAGTTCC-3'
Protein context (NP_000343.2, residues 1055-1075): ECTLDQTVYA[Met1065Leu]VFTVLCSLGI

ClinVar aggregate classification (germline): Uncertain significance (1 of 4 stars; one submission).

Submission:

Labcorp Genetics (formerly Invitae), Labcorp
Classification: Uncertain significance. Last evaluated: 2020-05-13. Review status: criteria provided, single submitter. Criteria: Invitae Variant Classification Sherloc (09022015). Collection method: clinical testing. Allele origin: germline.
Comment: This sequence change replaces methionine with leucine at codon 1065 of the ABCC8 protein (p.Met1065Leu). The methionine residue is moderately conserved and there is a small physicochemical difference between methionine and leucine. This variant is not present in population databases (ExAC no frequency). This variant has not been reported in the literature in individuals with ABCC8-related disease. Algorithms developed to predict the effect of missense changes on protein structure and function output the following: SIFT: "Tolerated"; PolyPhen-2: "Benign"; Align-GVGD: "Class C0". The leucine amino acid residue is found in multiple mammalian species, suggesting that this missense change does not adversely affect protein function. These predictions have not been confirmed by published functional studies and their clinical significance is uncertain. In summary, the available evidence is currently insufficient to determine the role of this variant in disease. Therefore, it has been classified as a Variant of Uncertain Significance.